The following is an entry in ClinVar:

NM_000330.4(RS1):c.326+2T>G

Genes: CDKL5 (cyclin dependent kinase like 5; plus strand), RS1 (retinoschisin 1; minus strand). Cytogenetic location: Xp22.13.
Variant type: single nucleotide variant.
Coding change: c.326+2T>G on transcript NM_000330.4 (MANE Select); the canonical splice donor site of the intron after coding-DNA position 326, T replaced by G.
Molecular consequence: splice donor variant. On other transcripts: intron variant (2).
Genome position (GRCh38, 1-based): chrX:18,647,189, A>C on the plus strand (T>G on the coding strand, the complement: RS1 is on the minus strand). VCF-style: chrX-18647189-A-C. GRCh37 (hg19) VCF-style: chrX-18665309-A-C.
Other names: c.2797+1099A>C (NM_003159.3, NM_001037343.2).
Identifiers: ClinVar variation 1422824 (VCV001422824.10), dbSNP rs2147193875, ClinGen allele CA412372630.
Genomic context (GRCh38, chrX:18,647,189, plus strand): 5'-CTGGTAGAGAGGCCTATTTTTTTTTAAAAGCACATGAAAAAAAATCCCCGGGCCCTGCTT[A>C]CCCAAAGCCTTGACTGTTGAGCCGGGCCTTGTTTGCAGTCCACGAAGAATACCAGCCCAC-3'

ClinVar aggregate classification (germline): Pathogenic/Likely pathogenic. Review status: criteria provided, multiple submitters, no conflicts (2 of 4 stars). 2 submissions from 2 submitters: Pathogenic (1); Likely pathogenic (1). Last evaluated 2021-05-28.

Conditions:
RS1-related disorder. Also called: RS1-related condition.

Submissions (2):

Labcorp Genetics (formerly Invitae), Labcorp
Classification: Pathogenic. Last evaluated: 2021-05-28. Review status: criteria provided, single submitter. Criteria: Invitae Variant Classification Sherloc (09022015). Collection method: clinical testing. Allele origin: germline.
Comment: For these reasons, this variant has been classified as Pathogenic. Algorithms developed to predict the effect of sequence changes on RNA splicing suggest that this variant may disrupt the consensus splice site, but this prediction has not been confirmed by published transcriptional studies. Disruption of this splice site has been observed in individual(s) with X-linked retinoschisis (PMID: 29099798, 9618178, Invitae). This variant is not present in population databases (ExAC no frequency). This sequence change affects a donor splice site in intron 4 of the RS1 gene. It is expected to disrupt RNA splicing. Variants that disrupt the donor or acceptor splice site typically lead to a loss of protein function (PMID: 16199547), and loss-of-function variants in RS1 are known to be pathogenic (PMID: 9618178, 17172462).

Blueprint Genetics
Classification: Likely pathogenic for RS1-related disorders. Last evaluated: 2020-07-16. Review status: criteria provided, single submitter. Criteria: ACMG Guidelines, 2015. Collection method: clinical testing. Allele origin: germline. Affected: yes. Observed: 2 variant alleles.

Literature cited by the submitters: PubMed 29099798 (cited by Labcorp Genetics (formerly Invitae), Labcorp); PubMed 9618178 (cited by Labcorp Genetics (formerly Invitae), Labcorp); PubMed 16199547 (cited by Labcorp Genetics (formerly Invitae), Labcorp); PubMed 17172462 (cited by Labcorp Genetics (formerly Invitae), Labcorp).